The following is an entry in ClinVar:

NM_001164508.2(NEB):c.10792C>T (p.His3598Tyr)

Gene: NEB (nebulin; minus strand). Cytogenetic location: 2q23.3.
Variant type: single nucleotide variant.
Coding change: c.10792C>T on transcript NM_001164508.2 (MANE Select); coding-DNA position 10792, C replaced by T.
Protein change: p.His3598Tyr; replaces histidine 3598 with tyrosine.
Molecular consequence: missense variant.
Genome position (GRCh38, 1-based): chr2:151,619,531, G>A on the plus strand (C>T on the coding strand, the complement: NEB is on the minus strand). VCF-style: chr2-151619531-G-A. GRCh37 (hg19) VCF-style: chr2-152476045-G-A.
Other names: c.10792C>T, p.His3598Tyr (NM_001164507.2, NM_001271208.2); c.10063C>T, p.His3355Tyr (NM_004543.5); short protein forms H3598Y, H3355Y.
Identifiers: ClinVar variation 2196607 (VCV002196607.1), dbSNP rs2552232749, ClinGen allele CA348787740.
Genomic context (GRCh38, chr2:151,619,531, plus strand): 5'-CTTTCCGTGCATGAATGATGTCATTCTGGTCGGGCAGGCAGATCCATTCATGCAGAGGAT[G>A]TTTATAGTCCACATCGCTGACCAAGGTCTGACACTTCTTGGCCAAAACGATACCAAGCAT-3'
Protein context (NP_001157980.2, residues 3588-3608): QTLVSDVDYK[His3598Tyr]PLHEWICLPD

ClinVar aggregate classification (germline): Uncertain significance (1 of 4 stars; one submission).

Conditions:
Nemaline myopathy 2 (NEM2). Also called: Nemaline myopathy 2, autosomal recessive. Identifiers: MedGen C1850569, MONDO:0009725, OMIM 256030.

Allele frequency attached by ClinVar (database versions not stated): gnomAD exomes below 0.00001.
gnomAD v4.1: 1 of 1,613,940 alleles (0.000062%); highest among the groups gnomAD compares: Non-Finnish European, 0.000085%; no homozygotes.

Submission:

Labcorp Genetics (formerly Invitae), Labcorp
Classification: Uncertain significance for Nemaline myopathy 2. Last evaluated: 2022-10-03. Review status: criteria provided, single submitter. Criteria: Invitae Variant Classification Sherloc (09022015). Collection method: clinical testing. Allele origin: germline.
Comment: This sequence change replaces histidine, which is basic and polar, with tyrosine, which is neutral and polar, at codon 3598 of the NEB protein (p.His3598Tyr). This variant is not present in population databases (gnomAD no frequency). This variant has not been reported in the literature in individuals affected with NEB-related conditions. Algorithms developed to predict the effect of missense changes on protein structure and function are either unavailable or do not agree on the potential impact of this missense change (SIFT: "Deleterious"; PolyPhen-2: "Not Available"; Align-GVGD: "Class C0"). In summary, the available evidence is currently insufficient to determine the role of this variant in disease. Therefore, it has been classified as a Variant of Uncertain Significance.